The following is an entry in ClinVar:

ClinVar aggregate classification (germline): Pathogenic (1 of 4 stars; one submission).

Conditions:
Arrhythmogenic cardiomyopathy with wooly hair and keratoderma. Also called: PALMOPLANTAR KERATODERMA WITH LEFT VENTRICULAR CARDIOMYOPATHY AND WOOLLY HAIR; Arrhythmogenic cardiomyopathy with woolly hair and keratoderma; Carvajal syndrome; Dilated cardiomyopathy with woolly hair and keratoderma. Identifiers: Orphanet 65282, MedGen C1854063, MONDO:0011581, OMIM 605676.
Arrhythmogenic right ventricular dysplasia 8 (ARVD8). Also called: ARRHYTHMOGENIC RIGHT VENTRICULAR DYSPLASIA, FAMILIAL, 8; ARRHYTHMOGENIC RIGHT VENTRICULAR CARDIOMYOPATHY 8; Arrhythmogenic Right Ventricular Dysplasia/Cardiomyopathy 8. Identifiers: MedGen C1843896, MONDO:0011831, OMIM 607450.

Submission:

Labcorp Genetics (formerly Invitae), Labcorp
Classification: Pathogenic for Arrhythmogenic cardiomyopathy with wooly hair and keratoderma; Arrhythmogenic right ventricular dysplasia 8. Last evaluated: 2020-05-04. Review status: criteria provided, single submitter. Criteria: Invitae Variant Classification Sherloc (09022015). Collection method: clinical testing. Allele origin: germline.
Comment: This sequence change creates a premature translational stop signal (p.Glu945Argfs*32) in the DSP gene. It is expected to result in an absent or disrupted protein product. This variant is not present in population databases (ExAC no frequency). This variant has not been reported in the literature in individuals with DSP-related conditions. Loss-of-function variants in DSP are known to be pathogenic (PMID: 20716751, 24503780, 25227139). For these reasons, this variant has been classified as Pathogenic.

Literature cited by the submitters: PubMed 20716751; PubMed 24503780; PubMed 25227139.

NM_004415.4(DSP):c.2832del (p.Glu945fs)

Gene: DSP (desmoplakin; plus strand). Cytogenetic location: 6p24.3.
Variant type: Deletion.
Coding change: c.2832del on transcript NM_004415.4 (MANE Select); coding-DNA position 2832, one base deleted (A; older notation c.2832delA).
Protein change: p.Glu945fs; shifts the reading frame from glutamic acid 945.
Molecular consequence: frameshift variant.
Genome position (GRCh38, 1-based): chr6:7,576,997, A deleted. VCF-style (leftmost placement, unchanged base first): chr6-7576996-CA-C. GRCh37 (hg19) VCF-style: chr6-7577229-CA-C.
Other names: c.2832del, p.Glu945fs (NM_001008844.3, NM_001319034.2); short protein forms E945fs.
Identifiers: ClinVar variation 1068839 (VCV001068839.7), dbSNP rs2113687612, ClinGen allele CA2499218545.